The following is an entry in ClinVar:

ClinVar aggregate classification (germline): Uncertain significance (1 of 4 stars; one submission).

Conditions:
Glycogen storage disease type III (GSD3). Also called: Cori disease; FORBES DISEASE. Identifiers: Orphanet 366, MedGen C0017922, MONDO:0009291, OMIM 232400.

Submission:

Juno Genomics, Hangzhou Juno Genomics, Inc
Classification: Uncertain significance for Glycogen storage disease type III. Review status: criteria provided, single submitter. Criteria: ACMG Guidelines, 2015. Collection method: clinical testing. Allele origin: germline.
Comment: Absent from controls (or at extremely low frequency if recessive) in Genome Aggregation Database.;Multiple lines of computational evidence support a deleterious effect on the gene or gene product.

NM_000642.3(AGL):c.691C>T (p.His231Tyr)

Gene: AGL (amylo-alpha-1,6-glucosidase and 4-alpha-glucanotransferase; plus strand). Cytogenetic location: 1p21.2.
Variant type: single nucleotide variant.
Coding change: c.691C>T on transcript NM_000642.3 (MANE Select); coding-DNA position 691, C replaced by T.
Protein change: p.His231Tyr; replaces histidine 231 with tyrosine.
Molecular consequence: missense variant.
Genome position (GRCh38, 1-based): chr1:99,870,426, C>T. VCF-style: chr1-99870426-C-T. GRCh37 (hg19) VCF-style: chr1-100335982-C-T.
Other names: c.691C>T, p.His231Tyr (NM_000028.3, NM_000643.3, NM_000644.3 and 3 more transcripts); c.643C>T, p.His215Tyr (NM_000646.3); c.487C>T, p.His163Tyr (NM_001425328.1, NM_001425329.1); c.313C>T, p.His105Tyr (NM_001425332.1); short protein forms H215Y, H105Y, H163Y, H231Y.
Identifiers: ClinVar variation 5007388 (VCV005007388.2).